The following is an entry in ClinVar:

NM_003060.4(SLC22A5):c.1118T>C (p.Phe373Ser)

Gene: SLC22A5 (solute carrier family 22 member 5; plus strand). Cytogenetic location: 5q31.1.
Variant type: single nucleotide variant.
Coding change: c.1118T>C on transcript NM_003060.4 (MANE Select); coding-DNA position 1118, T replaced by C.
Protein change: p.Phe373Ser; replaces phenylalanine 373 with serine.
Molecular consequence: missense variant.
Genome position (GRCh38, 1-based): chr5:132,390,755, T>C. VCF-style: chr5-132390755-T-C. GRCh37 (hg19) VCF-style: chr5-131726447-T-C.
Other names: c.1190T>C, p.Phe397Ser (NM_001308122.2); short protein forms F397S, F373S.
Identifiers: ClinVar variation 4761514 (VCV004761514.1).
Genomic context (GRCh38, chr5:132,390,755, plus strand): 5'-CCATATCAGTGGGCTATTTTGGGCTTTCGCTTGATACTCCTAACTTGCATGGGGACATCT[T>C]TGTGAACTGCTTCCTTTCAGCGATGGTTGAAGTCCCAGCATATGTGTTGGCCTGGCTGCT-3'
Protein context (NP_003051.1, residues 363-383): LDTPNLHGDI[Phe373Ser]VNCFLSAMVE

ClinVar aggregate classification (germline): Uncertain significance (1 of 4 stars; one submission).

Conditions:
Renal carnitine transport defect (CDSP). Also called: Systemic primary carnitine deficiency disease; Primary carnitine deficiency; Carnitine Deficiency, Systemic; CARNITINE DEFICIENCY, SYSTEMIC, DUE TO DEFECT IN RENAL REABSORPTION OF CARNITINE; CARNITINE TRANSPORTER, PLASMA-MEMBRANE, DEFICIENCY OF; CARNITINE UPTAKE DEFECT. Identifiers: Orphanet 158, MedGen C0342788, MONDO:0008919, OMIM 212140.

gnomAD v4.1: 3 of 1,614,264 alleles (0.00019%); highest among the groups gnomAD compares: African/African-American, 0.004%; no homozygotes.

Submission:

Labcorp Genetics (formerly Invitae), Labcorp
Classification: Uncertain significance for Renal carnitine transport defect. Last evaluated: 2025-03-12. Review status: criteria provided, single submitter. Criteria: Invitae Variant Classification Sherloc (09022015). Collection method: clinical testing. Allele origin: germline.
Comment: This sequence change replaces phenylalanine, which is neutral and non-polar, with serine, which is neutral and polar, at codon 373 of the SLC22A5 protein (p.Phe373Ser). This variant is not present in population databases (gnomAD no frequency). This variant has not been reported in the literature in individuals affected with SLC22A5-related conditions. Invitae Evidence Modeling of protein sequence and biophysical properties (such as structural, functional, and spatial information, amino acid conservation, physicochemical variation, residue mobility, and thermodynamic stability) has been performed for this missense variant. However, the output from this modeling did not meet the statistical confidence thresholds required to predict the impact of this variant on SLC22A5 protein function. In summary, the available evidence is currently insufficient to determine the role of this variant in disease. Therefore, it has been classified as a Variant of Uncertain Significance.